The following is an entry in ClinVar:

NM_000525.4(KCNJ11):c.92G>A (p.Arg31Gln)

Gene: KCNJ11 (potassium inwardly rectifying channel subfamily J member 11; minus strand). Cytogenetic location: 11p15.1.
Variant type: single nucleotide variant.
Coding change: c.92G>A on transcript NM_000525.4 (MANE Select); coding-DNA position 92, G replaced by A.
Protein change: p.Arg31Gln; replaces arginine 31 with glutamine.
Molecular consequence: missense variant. On other transcripts: intron variant (3).
Genome position (GRCh38, 1-based): chr11:17,388,000, C>T on the plus strand (G>A on the coding strand, the complement: KCNJ11 is on the minus strand). VCF-style: chr11-17388000-C-T. GRCh37 (hg19) VCF-style: chr11-17409547-C-T.
Other names: c.-16-154G>A (NM_001166290.2, NM_001377297.1); c.-17+18G>A (NM_001377296.1); short protein forms R31Q.
Identifiers: ClinVar variation 3767011 (VCV003767011.1).

ClinVar aggregate classification (germline): Uncertain significance (1 of 4 stars; one submission).

Submission:

ARUP Laboratories, Molecular Genetics and Genomics, ARUP Laboratories
Classification: Uncertain significance. Last evaluated: 2024-01-19. Review status: criteria provided, single submitter. Criteria: ARUP Molecular Germline Variant Investigation Process 2024. Collection method: clinical testing. Allele origin: germline.
Comment: The KCNJ11 c.92G>A; p.Arg31Gln variant (rs571564577), to our knowledge, is not reported in the medical literature or gene specific databases. This variant is observed in the general population with an overall allele frequency of 0.001% (3/250892 alleles) in the Genome Aggregation Database (v2.1.1). Computational analyses are uncertain whether this variant is neutral or deleterious (REVEL: 0.327). Due to limited information, the clinical significance of this variant is uncertain at this time.